The following continues an entry in ClinVar:

NM_020975.6(RET):c.2370G>T (p.Leu790Phe)

Gene: RET. ClinVar aggregate classification (germline): Pathogenic. Pathogenic (24).

Submissions 10 to 22 of 27:

Baylor Genetics
Classification: Pathogenic for Hirschsprung disease, susceptibility to, 1. Last evaluated: 2024-02-14. Review status: criteria provided, single submitter. Criteria: ACMG Guidelines, 2015. Collection method: clinical testing. Allele origin: unknown.

Myriad Genetics, Inc.
Classification: Pathogenic for Multiple endocrine neoplasia type 2A. Last evaluated: 2024-01-05. Review status: criteria provided, single submitter. Criteria: Myriad Autosomal Dominant, Autosomal Recessive and X-Linked Classification Criteria (2023). Collection method: clinical testing. Allele origin: unknown.
Comment: This variant is considered pathogenic. This variant has been reported in multiple individuals with clinical features of gene-specific disease [PMID: 33827484, 33167350, 12490841, 12409662, 9506724, 25810047].

All of Us Research Program, National Institutes of Health
Classification: Pathogenic for Multiple endocrine neoplasia, type 2. Last evaluated: 2023-12-18. Review status: criteria provided, single submitter. Criteria: ACMG Guidelines, 2015. Collection method: clinical testing. Allele origin: germline. Inheritance: Autosomal dominant inheritance. Observed: 2 variant alleles, 2 heterozygotes.
Comment: The c.2370G>C (p.Leu790Phe) variant has been reported in patients with familial and sporadic medullary thyroid cancer [PMID 9506724, 22965292, 21810974] and pheochromocytoma [PMID 22403753]. Segregation of the variant with medullary thyroid carcinoma was reported in several families [PMID 9506724, 22965292]. Another variant affecting the same amino acid at position 790 (c.2370G>T) and leading to the same amino acid change (p.Leu790Phe) has also been reported in patients with sporadic medullary thyroid cancer and pheochromocytoma [PMID 9506724]. A retrospective study showed that patients carrier for this p.Leu790Phe change have a non-aggressive form or slow evolving multiple endocrine neoplasia type 2 [PMID 23756355]. The role of prophylactic thyroidectomy in patients carriers for this p.Leu790Phe variant was also evaluated [PMID 21688339]. Thus, the authors concluded that, for carriers of this p.Leu790Phe variant, a case-by-case decision instead of systematic prophylactic thyroidectomy should be discussed [PMID 21688339]. This variant was observed in two individuals at the heterozygous state in the ExAC population database. This variant is highly conserved in mammals and while not clinically validated, computer-based algorithms predict this p.Leu790Phe change to be deleterious. This variant is thus classified as pathogenic. This variant is also considered medically actionable [ACMG 59, PMID 27854360].

This study involves interpretation of variants in research participants for the purpose of population health screening. Participant phenotype was not available at the time of variant classification. Additional details can be found in publication PMID: 35346344, PMCID: PMC8962531

ARUP Laboratories, Molecular Genetics and Genomics, ARUP Laboratories
Classification: Pathogenic. Last evaluated: 2023-08-31. Review status: criteria provided, single submitter. Criteria: ARUP Molecular Germline Variant Investigation Process 2024. Collection method: clinical testing. Allele origin: germline.
Comment: The RET c.2370G>T, p.Leu790Phe variant (rs75030001) has been reported in multiple individuals with medullary thyroid carcinoma (MTC), segregates with disease in families with MTC, and has also been described in individuals with pheochromocytoma (Berndt 1998, Bihan 2011, Bihan 2013, Fitze 2002, Fussey 2021, Min 2012). This variant is listed as pathogenic in ClinVar (Variation ID: 38612) and is observed in the general population at a low overall frequency of 0.002% (5/251,150 alleles) in the Genome Aggregation Database. The leucine at codon 790 is highly conserved, and computational analyses predict that this variant is deleterious (REVEL: 0.733). Additionally, another variant that results in the same amino acid change (c.2370G>C; p.Leu790Phe) has been reported in individuals affected with MTC (Berndt 1998). Based on available information, the c.2370G>T variant is considered pathogenic. References: Berndt I et al. A new hot spot for mutations in the ret protooncogene causing familial medullary thyroid carcinoma and multiple endocrine neoplasia type 2A. 1998;J Clin Endocrinol Metab. 83(3):770-4. PMID: 9506724 Bihan H et al. Role of prophylactic thyroidectomy in RET 790 familial medullary thyroid carcinoma. Head Neck. 2012 Apr;34(4):493-8. PMID: 21688339. Bihan H et al. The clinical spectrum of RET proto-oncogene mutations in codon 790. 2013;Eur J Endocrinol. 169(3):271-6. PMID: 23756355. Fitze G et al. Various penetrance of familial medullary thyroid carcinoma in patients with RET protooncogene codon 790/791 germline mutations. Ann Surg. 2002 Nov;236(5):570-5. PMID: 12409662. Fussey JM et al. Diagnostic RET genetic testing in 1,058 index patients: A UK centre perspective. Clin Endocrinol (Oxf). 2021 Aug;95(2):295-302. PMID: 33340421. Min J et al. Bilateral adrenal pheochromocytoma with a germline L790F mutation in the RET oncogene. J Korean Surg Soc. 2012 Mar;82(3):185-9. PMID: 22403753.

Clinical Genetics Laboratory, Skane University Hospital Lund
Classification: Pathogenic. Last evaluated: 2023-05-22. Review status: criteria provided, single submitter. Criteria: ACMG Guidelines, 2015. Collection method: clinical testing. Allele origin: germline. Affected: yes.

Women's Health and Genetics/Laboratory Corporation of America, LabCorp
Classification: Pathogenic for Multiple endocrine neoplasia type 2A. Last evaluated: 2023-05-12. Review status: criteria provided, single submitter. Criteria: LabCorp Variant Classification Summary - May 2015. Collection method: clinical testing. Allele origin: germline.
Comment: Variant summary: RET c.2370G>T (p.Leu790Phe) results in a non-conservative amino acid change located in the protein kinase domain (IPR000719) of the encoded protein sequence. Five of five in-silico tools predict a damaging effect of the variant on protein function. The variant allele was found at a frequency of 2e-05 in 251550 control chromosomes (gnomAD and Berndt_1998). c.2370G>T has been reported in the literature in multiple individuals affected with Multiple Endocrine Neoplasia Type 2A/Familial Medullary Thyroid Cancer and has been found to segregate with disease within families (e.g. Berndt_1998, Gimm_2002, Romei_2010, Bihan_2011). These data indicate that the variant is very likely to be associated with disease. Another variant resulting in the same amino acid change, c.2370G>C (p.Leu790Phe) has also been reported in affected individuals (e.g. Gimm_2002), providing additional evidence supporting a pathogenic role. The following publications have been ascertained in the context of this evaluation (PMID: 9506724, 20516206, 21688339, 12490841). Multiple submitters have provided clinical-significance assessments for this variant to ClinVar after 2014 and the majority have classified the variant as pathogenic (n=13), with one submitter classifying it as VUS. Based on the evidence outlined above, the variant was classified as pathogenic.

MGZ Medical Genetics Center
Classification: Pathogenic for Multiple endocrine neoplasia type 2A. Last evaluated: 2022-07-20. Review status: criteria provided, single submitter. Criteria: ACMG Guidelines, 2015. Collection method: clinical testing. Allele origin: germline. Affected: yes. Observed: 6 variant alleles.
Comment: ACMG criteria applied: PS1, PP1_STR, PS4_MOD, PM2_SUP, PP3

GeneDx
Classification: Pathogenic. Last evaluated: 2022-03-02. Review status: criteria provided, single submitter. Criteria: GeneDx Variant Classification Process June 2021. Collection method: clinical testing. Allele origin: germline. Affected: yes.
Comment: Not observed at a significant frequency in large population cohorts (gnomAD); In silico analysis supports that this missense variant has a deleterious effect on protein structure/function; This variant is associated with the following publications: (PMID: 9506724, 26868437, 29175871, 21810974, 23756355, 22403753, 12193298, 12409662, 18062802, 12490841, 21688339, 9167962, 22965292, 26254625, 24699901, 27379493, 21626080, 26678667, 27809725, 28018431, 28609830, 28698976, 29378779, 29341155, 29590403, 30355600, 30877234, 31510104, 30787465, 31447099, 15455293, 34426522, 33087929, 14633923)

Pars Genome Lab
Classification: Pathogenic for Familial medullary thyroid carcinoma. Last evaluated: 2022-03-02. Review status: criteria provided, single submitter. Criteria: ACMG Guidelines, 2015. Collection method: clinical testing. Allele origin: germline. Inheritance: Autosomal dominant inheritance. Affected: yes.

Institute for Clinical Genetics, University Hospital TU Dresden, University Hospital TU Dresden
Classification: Pathogenic. Last evaluated: 2021-11-03. Review status: criteria provided, single submitter. Criteria: ACMG Guidelines, 2015. Collection method: clinical testing. Allele origin: germline.

Laan Lab, Human Genetics Research Group, University of Tartu
Classification: Pathogenic for Familial medullary thyroid carcinoma. Last evaluated: 2021-05-01. Review status: criteria provided, single submitter. Criteria: ACMG Guidelines, 2015. Collection method: research. Allele origin: unknown. Observed: 1 variant allele, 1 heterozygote.

Biesecker Lab/Clinical Genomics Section, National Institutes of Health
Classification: Pathogenic for Familial medullary thyroid carcinoma. Last evaluated: 2018-01-16. Review status: criteria provided, single submitter. Criteria: ACMG Guidelines, 2015. Collection method: curation. Allele origin: germline. Study: CSER_ClinSeq.

Clinical Genetics and Genomics, Karolinska University Hospital
Classification: Pathogenic. Last evaluated: 2017-10-11. Review status: criteria provided, single submitter. Criteria: ACMG Guidelines, 2015. Collection method: clinical testing. Allele origin: germline. Affected: yes. Observed: 2 variant alleles.